The following is an entry in ClinVar:

ClinVar aggregate classification (germline): Uncertain significance (1 of 4 stars; one submission).

Conditions:
Singleton-Merten syndrome 1 (SGMRT1). Also called: Widened medullary cavities of bone, aortic calcification, abnormal dentition, and muscular weakness; Syndrome of widened medullary cavities of the metacarpals and phalanges, aortic calcification and abnormal dentition. Identifiers: Orphanet 85191, MedGen C4225427, MONDO:0024535, OMIM 182250.
Aicardi-Goutieres syndrome 7 (AGS7). Identifiers: Orphanet 51, MedGen C3888244, MONDO:0014367, OMIM 615846.

Submission:

Labcorp Genetics (formerly Invitae), Labcorp
Classification: Uncertain significance for Aicardi-Goutieres syndrome 7; Singleton-Merten syndrome 1. Last evaluated: 2025-06-11. Review status: criteria provided, single submitter. Criteria: Invitae Variant Classification Sherloc (09022015). Collection method: clinical testing. Allele origin: germline.
Comment: This sequence change replaces arginine, which is basic and polar, with lysine, which is basic and polar, at codon 560 of the IFIH1 protein (p.Arg560Lys). This variant is not present in population databases (gnomAD no frequency). This variant has not been reported in the literature in individuals affected with IFIH1-related conditions. ClinVar contains an entry for this variant (Variation ID: 2158099). An algorithm developed to predict the effect of missense changes on protein structure and function outputs the following: PolyPhen-2: "Benign". The lysine amino acid residue is found in multiple mammalian species, which suggests that this missense change does not adversely affect protein function. In summary, the available evidence is currently insufficient to determine the role of this variant in disease. Therefore, it has been classified as a Variant of Uncertain Significance.

NM_022168.4(IFIH1):c.1679G>A (p.Arg560Lys)

Gene: IFIH1 (interferon induced with helicase C domain 1; minus strand). Cytogenetic location: 2q24.2.
Variant type: single nucleotide variant.
Coding change: c.1679G>A on transcript NM_022168.4 (MANE Select); coding-DNA position 1679, G replaced by A.
Protein change: p.Arg560Lys; replaces arginine 560 with lysine.
Molecular consequence: missense variant.
Genome position (GRCh38, 1-based): chr2:162,278,291, C>T on the plus strand (G>A on the coding strand, the complement: IFIH1 is on the minus strand). VCF-style: chr2-162278291-C-T. GRCh37 (hg19) VCF-style: chr2-163134801-C-T.
Other names: short protein forms R560K.
Identifiers: ClinVar variation 2158099 (VCV002158099.4), dbSNP rs1558866429, ClinGen allele CA349000240.